The following is an entry in ClinVar:

NM_001329943.3(KIAA0586):c.4375C>T (p.Gln1459Ter)

Gene: KIAA0586 (KIAA0586; plus strand). Cytogenetic location: 14q23.1.
Variant type: single nucleotide variant.
Coding change: c.4375C>T on transcript NM_001329943.3 (MANE Select); coding-DNA position 4375, C replaced by T.
Protein change: p.Gln1459Ter; replaces glutamine 1459 with a stop codon.
Molecular consequence: nonsense.
Genome position (GRCh38, 1-based): chr14:58,512,573, C>T. VCF-style: chr14-58512573-C-T. GRCh37 (hg19) VCF-style: chr14-58979291-C-T.
Other names: c.4534C>T, p.Gln1512Ter (NM_001244189.2); c.4330C>T, p.Gln1444Ter (NM_001244190.2); c.4120C>T, p.Gln1374Ter (NM_001244191.2, NM_001329945.2, NM_001364700.1 and 1 more transcripts); c.4243C>T, p.Gln1415Ter (NM_001244192.2, NM_001329947.2); c.3955C>T, p.Gln1319Ter (NM_001244193.2); c.4375C>T, p.Gln1459Ter (NM_001329944.2, NM_001329946.2); c.4147C>T, p.Gln1383Ter (NM_014749.5); short protein forms Q1374*, Q1444*, Q1459*, Q1319*, Q1415*, Q1512*, Q1383*.
Identifiers: ClinVar variation 4785604 (VCV004785604.1).

ClinVar aggregate classification (germline): Pathogenic (1 of 4 stars; one submission).

Conditions:
Short-rib thoracic dysplasia 14 with polydactyly (SRTD14). Identifiers: Orphanet 397715, MedGen C4225286, MONDO:0014688, OMIM 616546.
Joubert syndrome 23 (JBTS23). Identifiers: Orphanet 475, MedGen C4084822, MONDO:0014664, OMIM 616490.

Submission:

Labcorp Genetics (formerly Invitae), Labcorp
Classification: Pathogenic for Joubert syndrome 23; Short-rib thoracic dysplasia 14 with polydactyly. Last evaluated: 2025-07-30. Review status: criteria provided, single submitter. Criteria: Invitae Variant Classification Sherloc (09022015). Collection method: clinical testing. Allele origin: germline.
Comment: This sequence change creates a premature translational stop signal (p.Gln1512*) in the KIAA0586 gene. It is expected to result in an absent or disrupted protein product. Loss-of-function variants in KIAA0586 are known to be pathogenic (PMID: 26096313, 26166481, 26386044). This variant is not present in population databases (gnomAD no frequency). This variant has not been reported in the literature in individuals affected with KIAA0586-related conditions. Algorithms developed to predict the effect of sequence changes on RNA splicing suggest that this variant may disrupt the consensus splice site. For these reasons, this variant has been classified as Pathogenic.

Literature cited by the submitters: PubMed 26096313; PubMed 26166481; PubMed 26386044.